The following is an entry in ClinVar:

ClinVar aggregate classification (germline): Uncertain significance (1 of 4 stars; one submission).

Conditions:
Long QT syndrome (LQTS). Identifiers: MedGen C0023976, MeSH D008133, MONDO:0002442. Disease mechanism: loss of function. Inheritance: Various modes of inheritance.

gnomAD v4.1: 1 of 1,613,932 alleles (0.000062%); highest among the groups gnomAD compares: African/African-American, 0.0013%; no homozygotes.

Submission:

Labcorp Genetics (formerly Invitae), Labcorp
Classification: Uncertain significance for Long QT syndrome. Last evaluated: 2022-03-26. Review status: criteria provided, single submitter. Criteria: Invitae Variant Classification Sherloc (09022015). Collection method: clinical testing. Allele origin: germline.
Comment: In summary, the available evidence is currently insufficient to determine the role of this variant in disease. Therefore, it has been classified as a Variant of Uncertain Significance. Algorithms developed to predict the effect of missense changes on protein structure and function output the following: SIFT: "Tolerated"; PolyPhen-2: "Benign"; Align-GVGD: "Class C0". The glycine amino acid residue is found in multiple mammalian species, which suggests that this missense change does not adversely affect protein function. This variant has not been reported in the literature in individuals affected with AKAP9-related conditions. This variant is not present in population databases (gnomAD no frequency). This sequence change replaces aspartic acid, which is acidic and polar, with glycine, which is neutral and non-polar, at codon 2269 of the AKAP9 protein (p.Asp2269Gly).

NM_005751.5(AKAP9):c.6806A>G (p.Asp2269Gly)

Gene: AKAP9 (A-kinase anchoring protein 9; plus strand). Cytogenetic location: 7q21.2.
Variant type: single nucleotide variant.
Coding change: c.6806A>G on transcript NM_005751.5 (MANE Select); coding-DNA position 6806, A replaced by G.
Protein change: p.Asp2269Gly; replaces aspartic acid 2269 with glycine.
Molecular consequence: missense variant.
Genome position (GRCh38, 1-based): chr7:92,077,736, A>G. VCF-style: chr7-92077736-A-G. GRCh37 (hg19) VCF-style: chr7-91707050-A-G.
Other names: c.1451A>G, p.Asp484Gly (NM_001379277.1); c.6782A>G, p.Asp2261Gly (NM_147185.3); short protein forms D484G, D2269G, D2261G.
Identifiers: ClinVar variation 2149284 (VCV002149284.4), dbSNP rs765553799, ClinGen allele CA368133624.
Genomic context (GRCh38, chr7:92,077,736, plus strand): 5'-ATAATTATTTTTGTTCCTAGGATGACATGGAGAAACTGGGACTTGCCATAAAGGAATCTG[A>G]TGCCATGTCTACTCAAGACCAACATGTGCTATTTGGGAAATTTGCTCAAATAATACAGGA-3'
Protein context (NP_005742.4, residues 2259-2279): EKLGLAIKES[Asp2269Gly]AMSTQDQHVL